The following is an entry in ClinVar:

NM_000287.4(PEX6):c.532C>T (p.Pro178Ser)

Gene: PEX6 (peroxisomal biogenesis factor 6; minus strand). Cytogenetic location: 6p21.1.
Variant type: single nucleotide variant.
Coding change: c.532C>T on transcript NM_000287.4 (MANE Select); coding-DNA position 532, C replaced by T.
Protein change: p.Pro178Ser; replaces proline 178 with serine.
Molecular consequence: missense variant. On other transcripts: non-coding transcript variant (1).
Genome position (GRCh38, 1-based): chr6:42,978,619, G>A on the plus strand (C>T on the coding strand, the complement: PEX6 is on the minus strand). VCF-style: chr6-42978619-G-A. GRCh37 (hg19) VCF-style: chr6-42946357-G-A.
Other names: c.532C>T, p.Pro178Ser (NM_001316313.2); short protein forms P178S.
Identifiers: ClinVar variation 843791 (VCV000843791.14), dbSNP rs1331493124, ClinGen allele CA364164345.

ClinVar aggregate classification (germline): Uncertain significance. Review status: criteria provided, multiple submitters, no conflicts (2 of 4 stars). 2 submissions from 2 submitters: Uncertain significance (2). Last evaluated 2026-08-06.

Conditions:
Peroxisome biogenesis disorder 4B (PBD4B). Also called: SPINOCEREBELLAR ATAXIA WITH BLINDNESS AND DEAFNESS 1. Identifiers: Orphanet 44, Orphanet 95433, MedGen C3553937, MONDO:0013931, OMIM 614863.
Peroxisome biogenesis disorder. Identifiers: Orphanet 79189, MedGen C1832200, MONDO:0019234. Disease mechanism: loss of function.

Allele frequency attached by ClinVar (database versions not stated): TOPMed below 0.00001.

Submissions (2):

OLLIN Analises Genomicas, OLLIN
Classification: Uncertain significance for Peroxisome biogenesis disorder 4B. Last evaluated: 2026-08-06. Review status: criteria provided, single submitter. Criteria: ACMG Guidelines 2015 PMID 25741868. Collection method: clinical testing. Allele origin: germline. Inheritance: Autosomal recessive inheritance.
Comment: This missense variant, located in exon 1 (of 17), has been reported in ClinVar (accession VCV000843791.13) and in gnomAD with an allele frequency of 0.000063%. However, to our knowledge, it has not been reported in the scientific literature. In silico analysis predicts that this variant has a tolerated effect. According to the currently available evidence, this variant has been classified as uncertain significance (PM2_P, BP4).

Labcorp Genetics (formerly Invitae), Labcorp
Classification: Uncertain significance for Peroxisome biogenesis disorder. Last evaluated: 2022-07-11. Review status: criteria provided, single submitter. Criteria: Invitae Variant Classification Sherloc (09022015). Collection method: clinical testing. Allele origin: germline.
Comment: This sequence change replaces proline, which is neutral and non-polar, with serine, which is neutral and polar, at codon 178 of the PEX6 protein (p.Pro178Ser). This variant is present in population databases (no rsID available, gnomAD 0.007%). This variant has not been reported in the literature in individuals affected with PEX6-related conditions. ClinVar contains an entry for this variant (Variation ID: 843791). Algorithms developed to predict the effect of missense changes on protein structure and function are either unavailable or do not agree on the potential impact of this missense change (SIFT: "Deleterious"; PolyPhen-2: "Benign"; Align-GVGD: "Class C0"). In summary, the available evidence is currently insufficient to determine the role of this variant in disease. Therefore, it has been classified as a Variant of Uncertain Significance.